The following is an entry in ClinVar:

ClinVar aggregate classification (germline): Uncertain significance. Review status: criteria provided, multiple submitters, no conflicts (2 of 4 stars). 4 submissions from 4 submitters: Uncertain significance (4). Last evaluated 2024-08-05.

Conditions:
Primary ciliary dyskinesia. Also called: Ciliary dyskinesia. Identifiers: Orphanet 244, MedGen C0008780, MONDO:0016575, HP:0012265.
Primary ciliary dyskinesia 15. Also called: CILIARY DYSKINESIA, PRIMARY, 15, WITH OR WITHOUT SITUS INVERSUS. Identifiers: Orphanet 244, MedGen C3151137, MONDO:0013435, OMIM 613808.

Allele frequency attached by ClinVar (database versions not stated): ESP Exome Variant Server 0.00016; gnomAD 0.00019 and 0.00020; TOPMed 0.00022.
gnomAD v4.1: 90 of 1,612,172 alleles (0.0056%); highest among the groups gnomAD compares: African/African-American, 0.054%; no homozygotes.

Submissions (4):

Ambry Genetics
Classification: Uncertain significance for Primary ciliary dyskinesia. Last evaluated: 2024-08-05. Review status: criteria provided, single submitter. Criteria: Ambry Variant Classification Scheme 2023. Collection method: clinical testing. Allele origin: germline.

Labcorp Genetics (formerly Invitae), Labcorp
Classification: Uncertain significance for Primary ciliary dyskinesia. Last evaluated: 2022-08-22. Review status: criteria provided, single submitter. Criteria: Invitae Variant Classification Sherloc (09022015). Collection method: clinical testing. Allele origin: germline.
Comment: This sequence change replaces aspartic acid, which is acidic and polar, with asparagine, which is neutral and polar, at codon 486 of the CCDC40 protein (p.Asp486Asn). This variant is present in population databases (rs375800869, gnomAD 0.08%). This variant has not been reported in the literature in individuals affected with CCDC40-related conditions. ClinVar contains an entry for this variant (Variation ID: 1015506). Algorithms developed to predict the effect of missense changes on protein structure and function are either unavailable or do not agree on the potential impact of this missense change (SIFT: "Deleterious"; PolyPhen-2: "Possibly Damaging"; Align-GVGD: "Class C0"). In summary, the available evidence is currently insufficient to determine the role of this variant in disease. Therefore, it has been classified as a Variant of Uncertain Significance.

Revvity Omics, Revvity
Classification: Uncertain significance for Primary ciliary dyskinesia 15. Last evaluated: 2021-07-29. Review status: criteria provided, single submitter. Criteria: ACMG Guidelines, 2015. Collection method: clinical testing. Allele origin: germline.

Breakthrough Genomics
Classification: Uncertain significance. Review status: criteria provided, single submitter. Criteria: ACMG Guidelines, 2015. Collection method: not provided. Allele origin: germline. Inheritance: Autosomal recessive inheritance. Affected: yes.

NM_017950.4(CCDC40):c.1456G>A (p.Asp486Asn)

Gene: CCDC40 (coiled-coil domain 40 molecular ruler complex subunit; plus strand). Cytogenetic location: 17q25.3.
Variant type: single nucleotide variant.
Coding change: c.1456G>A on transcript NM_017950.4 (MANE Select); coding-DNA position 1456, G replaced by A.
Protein change: p.Asp486Asn; replaces aspartic acid 486 with asparagine.
Molecular consequence: missense variant.
Genome position (GRCh38, 1-based): chr17:80,065,500, G>A. VCF-style: chr17-80065500-G-A. GRCh37 (hg19) VCF-style: chr17-78039299-G-A.
Other names: c.1456G>A, p.Asp486Asn (NM_001243342.2, NM_001330508.2); c.1456G>A (NM_017950.3); short protein forms D486N.
Identifiers: ClinVar variation 1015506 (VCV001015506.11), dbSNP rs375800869, ClinGen allele CA8813847.